The following is an entry in ClinVar:

ClinVar aggregate classification (germline): Pathogenic/Likely pathogenic. Review status: criteria provided, multiple submitters, no conflicts (2 of 4 stars). 3 submissions from 3 submitters: Pathogenic (2); Likely pathogenic (1). Last evaluated 2022-05-10.

Conditions:
Hereditary cancer-predisposing syndrome. Also called: Hereditary neoplastic syndrome; Tumor predisposition; Neoplastic Syndromes, Hereditary; Hereditary Cancer Syndrome. Identifiers: Orphanet 140162, MedGen C0027672, MeSH D009386, MONDO:0015356.
Cardiovascular phenotype. Identifiers: MedGen CN230736.
Neurofibromatosis, type 1 (NF1). Also called: Neurofibromatosis, type I; NEUROFIBROMATOSIS, TYPE I, SOMATIC; Peripheral type neurofibromatosis; VON RECKLINGHAUSEN DISEASE. Identifiers: Orphanet 636, MedGen C0027831, MONDO:0018975, OMIM 162200. Disease mechanism: loss of function.

Submissions (3):

Labcorp Genetics (formerly Invitae), Labcorp
Classification: Pathogenic for Neurofibromatosis, type 1. Last evaluated: 2022-05-10. Review status: criteria provided, single submitter. Criteria: Invitae Variant Classification Sherloc (09022015). Collection method: clinical testing. Allele origin: germline.
Comment: For these reasons, this variant has been classified as Pathogenic. Algorithms developed to predict the effect of sequence changes on RNA splicing suggest that this variant may disrupt the consensus splice site. ClinVar contains an entry for this variant (Variation ID: 431977). Disruption of this splice site has been observed in individual(s) with neurofibromatosis type I (PMID: 15060124). This variant is not present in population databases (gnomAD no frequency). This sequence change affects an acceptor splice site in intron 39 of the NF1 gene. It is expected to disrupt RNA splicing. Variants that disrupt the donor or acceptor splice site typically lead to a loss of protein function (PMID: 16199547), and loss-of-function variants in NF1 are known to be pathogenic (PMID: 10712197, 23913538).

GeneDx
Classification: Likely pathogenic. Last evaluated: 2017-06-02. Review status: criteria provided, single submitter. Criteria: GeneDx Variant Classification (06012015). Collection method: clinical testing. Allele origin: germline. Affected: yes.
Comment: The c.5944-1 G>C splice site variant in the NF1 gene has been previously reported in association with neurofibromatosis type 1 (Mattocks et al., 2004). This variant destroys the canonical splice acceptor site in intron 39, and is expected to cause abnormal gene splicing. However, the adjacent exon 40 remains in frame. The c.5944-1 G>C variant is not observed in large population cohorts (Lek et al., 2016; 1000 Genomes Consortium et al., 2015; Exome Variant Server). In summary, we consider this variant to be likely pathogenic.

Ambry Genetics
Classification: Pathogenic for Cardiovascular phenotype; Hereditary cancer-predisposing syndrome. Last evaluated: 2016-05-04. Review status: criteria provided, single submitter. Criteria: Ambry Variant Classification Scheme 2023. Collection method: clinical testing. Allele origin: germline.
Comment: The c.5944-1G>C intronic pathogenic mutation results from a G to C substitution one nucleotide upstream from coding exon 40 of the NF1 gene. This mutation has been reported in an individual meeting the NIH diagnostic criteria for neurofibromatosis type 1 (NF1) (Mattocks C et al. J Med Genet. 2004 Apr;41(4):e48). In addition to the clinical data presented in the literature, since alterations that disrupt the canonical splice acceptor site are typically deleterious in nature, this alteration is interpreted as a disease-causing mutation (ACMG Recommendations for Standards for Interpretation and Reporting of Sequence Variations. Revision 2007. Genet Med. 2008;10:294).

Literature cited by the submitters: PubMed 15060124 (cited by Labcorp Genetics (formerly Invitae), Labcorp); PubMed 16199547 (cited by Labcorp Genetics (formerly Invitae), Labcorp); PubMed 10712197 (cited by Labcorp Genetics (formerly Invitae), Labcorp); PubMed 23913538 (cited by Labcorp Genetics (formerly Invitae), Labcorp).

NM_001042492.3(NF1):c.6007-1G>C

Gene: NF1 (neurofibromin 1; plus strand). Cytogenetic location: 17q11.2.
Variant type: single nucleotide variant.
Coding change: c.6007-1G>C on transcript NM_001042492.3 (MANE Select); the canonical splice acceptor site of the intron before coding-DNA position 6007, G replaced by C.
Molecular consequence: splice acceptor variant.
Genome position (GRCh38, 1-based): chr17:31,336,332, G>C. VCF-style: chr17-31336332-G-C. GRCh37 (hg19) VCF-style: chr17-29663350-G-C.
Other names: c.5944-1G>C (NM_000267.4).
Identifiers: ClinVar variation 431977 (VCV000431977.11), dbSNP rs1555534596, ClinGen allele CA399010993.